The following is an entry in ClinVar:

ClinVar aggregate classification (germline): Pathogenic/Likely pathogenic. Review status: criteria provided, multiple submitters, no conflicts (2 of 4 stars). 5 submissions from 5 submitters: Pathogenic (2); Likely pathogenic (3). Last evaluated 2024-05-03.

Conditions:
CLRN1-related disorder. Also called: CLRN1-related condition.
Usher syndrome type 3. Also called: Usher Syndrome, Type III. Identifiers: Orphanet 231183, MedGen C1568248, MONDO:0016485.
Retinitis pigmentosa 61 (RP61). Identifiers: Orphanet 791, MedGen C3280041, MONDO:0013610, OMIM 614180.
Usher syndrome type 3A (USH3A). Also called: USHER SYNDROME, TYPE IIIA. Identifiers: MedGen C5779850, MONDO:0010170, OMIM 276902.

Submissions (5):

Natera, Inc.
Classification: Pathogenic for Usher syndrome type 3. Last evaluated: 2024-05-03. Review status: criteria provided, single submitter. Criteria: Natera Variant Classification Schema (03/2026). Collection method: clinical testing. Allele origin: germline.
Comment: The c.121_136dupAAAACGGGAGCTCTGC variant in CLRN1 is a frameshift variant predicted to shift the reading frame beginning at codon 46 and leads to a stop codon 20 codons downstream. This variant is expected to result in nonsense mediated decay, truncation, or a dysfunctional protein product. This variant is rare in the general population with a frequency below the threshold expected for the associated phenotype(s). This variant has been observed in one or more individuals affected with the associated recessive disease, as either homozygous or compound heterozygous with a second variant (PMID: 35640668). Given the available evidence, this variant is classified as Pathogenic.

Baylor Genetics
Classification: Likely pathogenic for Retinitis pigmentosa 61. Last evaluated: 2024-03-01. Review status: criteria provided, single submitter. Criteria: ACMG Guidelines, 2015. Collection method: clinical testing. Allele origin: unknown.

Labcorp Genetics (formerly Invitae), Labcorp
Classification: Pathogenic. Last evaluated: 2023-02-15. Review status: criteria provided, single submitter. Criteria: Invitae Variant Classification Sherloc (09022015). Collection method: clinical testing. Allele origin: germline.
Comment: This sequence change creates a premature translational stop signal (p.Leu46Glnfs*20) in the CLRN1 gene. It is expected to result in an absent or disrupted protein product. Loss-of-function variants in CLRN1 are known to be pathogenic (PMID: 11524702, 24498627). This variant is present in population databases (rs767882032, gnomAD 0.01%). This variant has not been reported in the literature in individuals affected with CLRN1-related conditions. ClinVar contains an entry for this variant (Variation ID: 651716). For these reasons, this variant has been classified as Pathogenic.

Blueprint Genetics
Classification: Likely pathogenic for CLRN1-related disorders. Last evaluated: 2022-09-19. Review status: criteria provided, single submitter. Criteria: ACMG Guidelines, 2015. Collection method: clinical testing. Allele origin: germline. Affected: yes. Observed: 1 variant allele.

Juno Genomics, Hangzhou Juno Genomics, Inc
Classification: Likely pathogenic for Usher syndrome type 3A; Retinitis pigmentosa 61. Review status: criteria provided, single submitter. Criteria: ACMG Guidelines, 2015. Collection method: clinical testing. Allele origin: germline.
Comment: Null variant in a gene where loss of function (LOF) is a known mechanism of disease.;Absent from controls (or at extremely low frequency if recessive) in Genome Aggregation Database.

Literature cited by the submitters: PubMed 35640668 (cited by Natera, Inc.); PubMed 11524702 (cited by Labcorp Genetics (formerly Invitae), Labcorp); PubMed 24498627 (cited by Labcorp Genetics (formerly Invitae), Labcorp).

NM_174878.3(CLRN1):c.121_136dup (p.Leu46fs)

Gene: CLRN1 (clarin 1; minus strand). Cytogenetic location: 3q25.1.
Variant type: Duplication.
Coding change: c.121_136dup on transcript NM_174878.3 (MANE Select); coding-DNA positions 121 to 136, 16 bases duplicated (AAAACGGGAGCTCTGC).
Protein change: p.Leu46fs; shifts the reading frame from leucine 46.
Molecular consequence: frameshift variant. On other transcripts: non-coding transcript variant (1).
Genome position (GRCh38, 1-based): chr3:150,972,573-150,972,588, GCAGAGCTCCCGTTTT duplicated on the plus strand (AAAACGGGAGCTCTGC on the coding strand, the reverse complement: CLRN1 is on the minus strand); duplicating any 16 consecutive bases within chr3:150,972,573-150,972,594 gives the same sequence; the c. name uses the placement nearest the transcript's 3' end. VCF-style (leftmost placement, unchanged base first): chr3-150972572-A-AGCAGAGCTCCCGTTTT. GRCh37 (hg19) VCF-style: chr3-150690359-A-AGCAGAGCTCCCGTTTT.
Other names: c.121_136dup, p.Leu46fs (NM_001195794.1, NM_001256819.2); c.121_136dupAAAACGGGAGCTCTGC (NM_174878.2); short protein forms L46fs.
Identifiers: ClinVar variation 651716 (VCV000651716.11), dbSNP rs767882032, ClinGen allele CA2666211.